The following is an entry in ClinVar:

ClinVar aggregate classification (germline): Likely benign (1 of 4 stars; one submission).

gnomAD v4.1: 6,965 of 1,613,686 alleles (0.43%); highest among the groups gnomAD compares: Admixed American, 0.85%; 27 homozygotes.

Submission:

CeGaT Center for Human Genetics Tuebingen
Classification: Likely benign. Last evaluated: 2025-07-01. Review status: criteria provided, single submitter. Criteria: CeGaT Center For Human Genetics Tuebingen Variant Classification Criteria Version 2. Collection method: clinical testing. Allele origin: germline. Affected: yes. Observed: 1 variant allele.
Comment: FBP2: BS2

NM_003837.4(FBP2):c.487G>A (p.Ala163Thr)

Genes: FBP2 (fructose-bisphosphatase 2; minus strand), PCAT7 (prostate cancer associated transcript 7; plus strand). Cytogenetic location: 9q22.32.
Variant type: single nucleotide variant.
Coding change: c.487G>A on transcript NM_003837.4 (MANE Select); coding-DNA position 487, G replaced by A.
Protein change: p.Ala163Thr; replaces alanine 163 with threonine.
Molecular consequence: missense variant.
Genome position (GRCh38, 1-based): chr9:94,571,542, C>T on the plus strand (G>A on the coding strand, the complement: FBP2 is on the minus strand). VCF-style: chr9-94571542-C-T. GRCh37 (hg19) VCF-style: chr9-97333824-C-T.
Other names: short protein forms A163T.
Identifiers: ClinVar variation 4083668 (VCV004083668.8).
Genomic context (GRCh38, chr9:94,571,542, plus strand): 5'-CCACGCCTTGCCCTGTGGAGAGAGCCACCAGGGTTGCACTACCGTACAGCGCATAACCTG[C>T]GGCCACAATATTGCGGCCACACTGCAGGGCATCCTTTTCAGAAGGCTCATCCTCTGAGGT-3'
Protein context (NP_003828.2, residues 153-173): ALQCGRNIVA[Ala163Thr]GYALYGSATL